The following is an entry in ClinVar:

ClinVar aggregate classification (germline): Pathogenic (1 of 4 stars; one submission).

Conditions:
Primary ciliary dyskinesia. Also called: Ciliary dyskinesia. Identifiers: Orphanet 244, MedGen C0008780, MONDO:0016575, HP:0012265.

Submission:

Laboratory for Molecular Medicine, Mass General Brigham Personalized Medicine
Classification: Pathogenic for Primary ciliary dyskinesia. Last evaluated: 2017-06-19. Review status: criteria provided, single submitter. Criteria: LMM Criteria. Collection method: clinical testing. Allele origin: germline. Inheritance: Autosomal recessive inheritance. Observed: 1 variant allele.
Comment: The p.Leu4156fs variant in DNAH11 has not been previously reported in individual s with primary ciliary dyskinesia and was absent from large population studies, though the ability of these studies to accurately detect indels may be limited. This variant is predicted to cause a frameshift, which alters the protein?s amin o acid sequence beginning at position 4156 and leads to a premature termination codon 6 amino acids downstream. This alteration is then predicted to lead to a t runcated or absent protein. In summary, the p.Leu4156fs variant meets criteria t o be classified as pathogenic for PCD in an autosomal recessive manner based upo n absence from controls and its predicted impact to the protein.

NM_001277115.2(DNAH11):c.12466del (p.Leu4156fs)

Gene: DNAH11 (dynein axonemal heavy chain 11; plus strand). Cytogenetic location: 7p15.3.
Variant type: Deletion.
Coding change: c.12466del on transcript NM_001277115.2 (MANE Select); coding-DNA position 12466, one base deleted (C; older notation c.12466delC).
Protein change: p.Leu4156fs; shifts the reading frame from leucine 4156.
Molecular consequence: frameshift variant.
Genome position (GRCh38, 1-based): chr7:21,884,369, C deleted. VCF-style (leftmost placement, unchanged base first): chr7-21884368-AC-A. GRCh37 (hg19) VCF-style: chr7-21923986-AC-A.
Other names: short protein forms L4156fs.
Identifiers: ClinVar variation 517449 (VCV000517449.4), dbSNP rs1554292398, ClinGen allele CA658796912.